The following is an entry in ClinVar:

ClinVar aggregate classification (germline): Uncertain significance (1 of 4 stars; one submission).

Conditions:
Amyloidosis, hereditary systemic 1 (AMYLD1). Also called: Familial amyloid polyneuropathy; AMYLOID CARDIOMYOPATHY; Transthyretin Amyloidosis; Hereditary oculoleptomeningeal amyloid angiopathy; Familial Transthyretin Amyloidosis; Isolated Cardiac Amyloidosis. Identifiers: Orphanet 85447, Orphanet 85451, MedGen C2751492, MONDO:0971004, OMIM 105210.

Submission:

Labcorp Genetics (formerly Invitae), Labcorp
Classification: Uncertain significance for Amyloidosis, hereditary systemic 1. Last evaluated: 2024-03-22. Review status: criteria provided, single submitter. Criteria: Invitae Variant Classification Sherloc (09022015). Collection method: clinical testing. Allele origin: germline.
Comment: This sequence change replaces aspartic acid, which is acidic and polar, with valine, which is neutral and non-polar, at codon 119 of the TTR protein (p.Asp119Val). This variant is not present in population databases (gnomAD no frequency). This variant has not been reported in the literature in individuals affected with TTR-related conditions. Advanced modeling of protein sequence and biophysical properties (such as structural, functional, and spatial information, amino acid conservation, physicochemical variation, residue mobility, and thermodynamic stability) performed at Invitae indicates that this missense variant is expected to disrupt TTR protein function with a positive predictive value of 95%. In summary, the available evidence is currently insufficient to determine the role of this variant in disease. Therefore, it has been classified as a Variant of Uncertain Significance.

NM_000371.4(TTR):c.356A>T (p.Asp119Val)

Gene: TTR (transthyretin; plus strand). Cytogenetic location: 18q12.1.
Variant type: single nucleotide variant.
Coding change: c.356A>T on transcript NM_000371.4 (MANE Select); coding-DNA position 356, A replaced by T.
Protein change: p.Asp119Val; replaces aspartic acid 119 with valine.
Molecular consequence: missense variant.
Genome position (GRCh38, 1-based): chr18:31,598,587, A>T. VCF-style: chr18-31598587-A-T. GRCh37 (hg19) VCF-style: chr18-29178550-A-T.
Other names: short protein forms D119V.
Identifiers: ClinVar variation 3645768 (VCV003645768.2).
Genomic context (GRCh38, chr18:31,598,587, plus strand): 5'-CGGGCTCTGGTGGAAATGGATCTGTCTGTCTTCTCTCATAGGTGGTATTCACAGCCAACG[A>T]CTCCGGCCCCCGCCGCTACACCATTGCCGCCCTGCTGAGCCCCTACTCCTATTCCACCAC-3'
Protein context (NP_000362.1, residues 109-129): EHAEVVFTAN[Asp119Val]SGPRRYTIAA